The following is an entry in ClinVar:

NM_000083.3(CLCN1):c.2962C>G (p.Leu988Val)

Gene: CLCN1 (chloride voltage-gated channel 1; plus strand). Cytogenetic location: 7q34.
Variant type: single nucleotide variant.
Coding change: c.2962C>G on transcript NM_000083.3 (MANE Select); coding-DNA position 2962, C replaced by G.
Protein change: p.Leu988Val; replaces leucine 988 with valine.
Molecular consequence: missense variant. On other transcripts: non-coding transcript variant (1).
Genome position (GRCh38, 1-based): chr7:143,351,960, C>G. VCF-style: chr7-143351960-C-G. GRCh37 (hg19) VCF-style: chr7-143049053-C-G.
Other names: short protein forms L988V.
Identifiers: ClinVar variation 1972367 (VCV001972367.5), dbSNP rs1803426312, ClinGen allele CA369654364.

ClinVar aggregate classification (germline): Uncertain significance (1 of 4 stars; one submission).

Conditions:
Congenital myotonia, autosomal recessive form. Also called: BECKER DISEASE; Becker Generalized Myotonia; myotonia congenita, autosomal recessive. Identifiers: Orphanet 614, MedGen C0751360, MONDO:0009715, OMIM 255700.
Congenital myotonia, autosomal dominant form (THD). Also called: THOMSEN DISEASE; Myotonia congenita autosomal dominant. Identifiers: Orphanet 614, MedGen C2936781, MONDO:0008055, OMIM 160800.

Allele frequency attached by ClinVar (database versions not stated): TOPMed below 0.00001.

Submission:

Labcorp Genetics (formerly Invitae), Labcorp
Classification: Uncertain significance for Congenital myotonia, autosomal recessive form; Congenital myotonia, autosomal dominant form. Last evaluated: 2024-10-23. Review status: criteria provided, single submitter. Criteria: Invitae Variant Classification Sherloc (09022015). Collection method: clinical testing. Allele origin: germline.
Comment: This sequence change replaces leucine, which is neutral and non-polar, with valine, which is neutral and non-polar, at codon 988 of the CLCN1 protein (p.Leu988Val). This variant is not present in population databases (gnomAD no frequency). This variant has not been reported in the literature in individuals affected with CLCN1-related conditions. ClinVar contains an entry for this variant (Variation ID: 1972367). Invitae Evidence Modeling of protein sequence and biophysical properties (such as structural, functional, and spatial information, amino acid conservation, physicochemical variation, residue mobility, and thermodynamic stability) has been performed for this missense variant. However, the output from this modeling did not meet the statistical confidence thresholds required to predict the impact of this variant on CLCN1 protein function. In summary, the available evidence is currently insufficient to determine the role of this variant in disease. Therefore, it has been classified as a Variant of Uncertain Significance.